The following is an entry in ClinVar:

NM_000057.4(BLM):c.2086A>G (p.Ser696Gly)

Gene: BLM (BLM RecQ like helicase; plus strand). Cytogenetic location: 15q26.1.
Variant type: single nucleotide variant.
Coding change: c.2086A>G on transcript NM_000057.4 (MANE Select); coding-DNA position 2086, A replaced by G.
Protein change: p.Ser696Gly; replaces serine 696 with glycine.
Molecular consequence: missense variant.
Genome position (GRCh38, 1-based): chr15:90,765,307, A>G. VCF-style: chr15-90765307-A-G. GRCh37 (hg19) VCF-style: chr15-91308537-A-G.
Other names: c.2086A>G (NM_000057.2); c.2086A>G, p.Ser696Gly (NM_001287246.2, NM_001287247.2); c.961A>G, p.Ser321Gly (NM_001287248.2); short protein forms S321G, S696G.
Identifiers: ClinVar variation 1016716 (VCV001016716.11), dbSNP rs1896091802, ClinGen allele CA393844529.

ClinVar aggregate classification (germline): Uncertain significance. Review status: criteria provided, multiple submitters, no conflicts (2 of 4 stars). 2 submissions from 2 submitters: Uncertain significance (2). Last evaluated 2024-05-01.

Conditions:
Hereditary cancer-predisposing syndrome. Also called: Tumor predisposition; Neoplastic Syndromes, Hereditary; Hereditary neoplastic syndrome; Hereditary Cancer Syndrome. Identifiers: Orphanet 140162, MedGen C0027672, MeSH D009386, MONDO:0015356.
Bloom syndrome (BLM). Also called: Bloom-Torre-Machacek syndrome. Identifiers: Orphanet 125, MedGen C0005859, MONDO:0008876, OMIM 210900.

Allele frequency attached by ClinVar (database versions not stated): gnomAD exomes below 0.00001.
gnomAD v4.1: 1 of 1,609,492 alleles (0.000062%); highest among the groups gnomAD compares: Non-Finnish European, 0.000085%; no homozygotes.

Submissions (2):

Labcorp Genetics (formerly Invitae), Labcorp
Classification: Uncertain significance for Bloom syndrome. Last evaluated: 2024-05-01. Review status: criteria provided, single submitter. Criteria: Invitae Variant Classification Sherloc (09022015). Collection method: clinical testing. Allele origin: germline.
Comment: This sequence change replaces serine, which is neutral and polar, with glycine, which is neutral and non-polar, at codon 696 of the BLM protein (p.Ser696Gly). This variant is not present in population databases (gnomAD no frequency). This variant has not been reported in the literature in individuals affected with BLM-related conditions. ClinVar contains an entry for this variant (Variation ID: 1016716). Advanced modeling of protein sequence and biophysical properties (such as structural, functional, and spatial information, amino acid conservation, physicochemical variation, residue mobility, and thermodynamic stability) performed at Invitae indicates that this missense variant is expected to disrupt BLM protein function with a positive predictive value of 80%. In summary, the available evidence is currently insufficient to determine the role of this variant in disease. Therefore, it has been classified as a Variant of Uncertain Significance.

Ambry Genetics
Classification: Uncertain significance for Hereditary cancer-predisposing syndrome. Last evaluated: 2023-07-15. Review status: criteria provided, single submitter. Criteria: Ambry Variant Classification Scheme 2023. Collection method: clinical testing. Allele origin: germline.
Comment: The p.S696G variant (also known as c.2086A>G), located in coding exon 8 of the BLM gene, results from an A to G substitution at nucleotide position 2086. The serine at codon 696 is replaced by glycine, an amino acid with similar properties. This amino acid position is conserved. In addition, this alteration is predicted to be deleterious by in silico analysis. Since supporting evidence is limited at this time, the clinical significance of this alteration remains unclear.